The following is an entry in ClinVar:

NM_005629.4(SLC6A8):c.1071C>G (p.Phe357Leu)

Gene: SLC6A8 (solute carrier family 6 member 8; plus strand). Cytogenetic location: Xq28.
Variant type: single nucleotide variant.
Coding change: c.1071C>G on transcript NM_005629.4 (MANE Select); coding-DNA position 1071, C replaced by G.
Protein change: p.Phe357Leu; replaces phenylalanine 357 with leucine.
Molecular consequence: missense variant.
Genome position (GRCh38, 1-based): chrX:153,693,516, C>G. VCF-style: chrX-153693516-C-G. GRCh37 (hg19) VCF-style: chrX-152958971-C-G.
Other names: c.1041C>G, p.Phe347Leu (NM_001142805.2); c.726C>G, p.Phe242Leu (NM_001142806.1); short protein forms F242L, F347L, F357L.
Identifiers: ClinVar variation 1308830 (VCV001308830.3), dbSNP rs782782179, ClinGen allele CA415085458.

ClinVar aggregate classification (germline): Uncertain significance. Review status: criteria provided, multiple submitters, no conflicts (2 of 4 stars). 2 submissions from 2 submitters: Uncertain significance (2). Last evaluated 2024-03-01.

Conditions:
Inborn genetic diseases. Identifiers: MedGen C0950123, MeSH D030342.

Submissions (2):

Ambry Genetics
Classification: Uncertain significance for Inborn genetic diseases. Last evaluated: 2024-03-01. Review status: criteria provided, single submitter. Criteria: Ambry Variant Classification Scheme 2023. Collection method: clinical testing. Allele origin: germline.
Comment: The c.1071C>G (p.F357L) alteration is located in exon 7 (coding exon 7) of the SLC6A8 gene. This alteration results from a C to G substitution at nucleotide position 1071, causing the phenylalanine (F) at amino acid position 357 to be replaced by a leucine (L). This variant was not reported in population-based cohorts in the Genome Aggregation Database (gnomAD). This amino acid position is highly conserved in available vertebrate species. This missense alteration is located in a region that has a low rate of benign missense variation (Lek, 2016; Firth, 2009). This alteration is predicted to be deleterious by in silico analysis. Based on insufficient or conflicting evidence, the clinical significance of this alteration remains unclear.

GeneDx
Classification: Uncertain significance. Last evaluated: 2020-01-21. Review status: criteria provided, single submitter. Criteria: GeneDx Variant Classification Process June 2021. Collection method: clinical testing. Allele origin: germline. Affected: yes.
Comment: Not observed in large population cohorts (Lek et al., 2016); In silico analysis, which includes protein predictors and evolutionary conservation, supports a deleterious effect; Missense and in-frame deletion variants in nearby residues reported in the Human Gene Mutation Database (Stenson et al., 2014); Has not been previously published as pathogenic or benign to our knowledge